The following is an entry in ClinVar:

ClinVar aggregate classification (germline): Benign/Likely benign. Review status: criteria provided, multiple submitters, no conflicts (2 of 4 stars). 2 submissions from 2 submitters: Benign (1); Likely benign (1). Last evaluated 2025-12-21.

Allele frequency attached by ClinVar (database versions not stated): gnomAD 0.00005; ExAC 0.00009; TOPMed 0.00010.
gnomAD v4.1: 102 of 1,208,633 alleles (0.0084%); highest among the groups gnomAD compares: East Asian, 0.056%; no homozygotes.

Submissions (2):

Labcorp Genetics (formerly Invitae), Labcorp
Classification: Benign. Last evaluated: 2025-12-21. Review status: criteria provided, single submitter. Criteria: Invitae Variant Classification Sherloc (09022015). Collection method: clinical testing. Allele origin: germline.

CeGaT Center for Human Genetics Tuebingen
Classification: Likely benign. Last evaluated: 2024-05-01. Review status: criteria provided, single submitter. Criteria: CeGaT Center For Human Genetics Tuebingen Variant Classification Criteria Version 2. Collection method: clinical testing. Allele origin: germline. Affected: yes. Observed: 1 variant allele.
Comment: HUWE1: BP4, BP7, BS2

NM_031407.7(HUWE1):c.12117C>T (p.Pro4039=)

Gene: HUWE1 (HECT, UBA and WWE domain containing E3 ubiquitin protein ligase 1; minus strand). Cytogenetic location: Xp11.22.
Variant type: single nucleotide variant.
Coding change: c.12117C>T on transcript NM_031407.7 (MANE Select); coding-DNA position 12117, C replaced by T.
Protein change: p.Pro4039=; no amino-acid change (proline 4039 retained).
Molecular consequence: synonymous variant.
Genome position (GRCh38, 1-based): chrX:53,537,576, G>A on the plus strand (C>T on the coding strand, the complement: HUWE1 is on the minus strand). VCF-style: chrX-53537576-G-A. GRCh37 (hg19) VCF-style: chrX-53564537-G-A.
Identifiers: ClinVar variation 3239075 (VCV003239075.20), dbSNP rs782184175.